The following is an entry in ClinVar:

NM_025099.6(CTC1):c.3173T>G (p.Leu1058Arg)

Gene: CTC1 (CST telomere replication complex component 1; minus strand). Cytogenetic location: 17p13.1.
Variant type: single nucleotide variant.
Coding change: c.3173T>G on transcript NM_025099.6 (MANE Select); coding-DNA position 3173, T replaced by G.
Protein change: p.Leu1058Arg; replaces leucine 1058 with arginine.
Molecular consequence: missense variant.
Genome position (GRCh38, 1-based): chr17:8,229,190, A>C on the plus strand (T>G on the coding strand, the complement: CTC1 is on the minus strand). VCF-style: chr17-8229190-A-C. GRCh37 (hg19) VCF-style: chr17-8132508-A-C.
Other names: c.3173T>G, p.Leu1058Arg (LRG_1124t1); short protein forms L1058R.
Identifiers: ClinVar variation 459600 (VCV000459600.11), dbSNP rs146536910, ClinGen allele CA8371856.

ClinVar aggregate classification (germline): Uncertain significance. Review status: criteria provided, multiple submitters, no conflicts (2 of 4 stars). 2 submissions from 2 submitters: Uncertain significance (2). Last evaluated 2025-12-08.

Conditions:
Inborn genetic diseases. Identifiers: MedGen C0950123, MeSH D030342.
Dyskeratosis congenita. Identifiers: Orphanet 1775, MedGen C0265965, MONDO:0015780.

Allele frequency attached by ClinVar (database versions not stated): TOPMed below 0.00001; gnomAD 0.00002 and 0.00003; gnomAD exomes 0.00006; ExAC 0.00007; 1000 Genomes Project 30x 0.00016; 1000 Genomes Project 0.00020.

Submissions (2):

Labcorp Genetics (formerly Invitae), Labcorp
Classification: Uncertain significance for Dyskeratosis congenita. Last evaluated: 2025-12-08. Review status: criteria provided, single submitter. Criteria: Invitae Variant Classification Sherloc (09022015). Collection method: clinical testing. Allele origin: germline.
Comment: This sequence change replaces leucine, which is neutral and non-polar, with arginine, which is basic and polar, at codon 1058 of the CTC1 protein (p.Leu1058Arg). This variant is present in population databases (rs146536910, gnomAD 0.1%). This variant has not been reported in the literature in individuals affected with CTC1-related conditions. ClinVar contains an entry for this variant (Variation ID: 459600). An algorithm developed to predict the effect of missense changes on protein structure and function outputs the following: PolyPhen-2: "Benign". The arginine amino acid residue is found in multiple mammalian species, which suggests that this missense change does not adversely affect protein function. In summary, the available evidence is currently insufficient to determine the role of this variant in disease. Therefore, it has been classified as a Variant of Uncertain Significance.

Ambry Genetics
Classification: Uncertain significance for Inborn genetic diseases. Last evaluated: 2023-01-31. Review status: criteria provided, single submitter. Criteria: Ambry Variant Classification Scheme 2023. Collection method: clinical testing. Allele origin: germline.